The following is an entry in ClinVar:

ClinVar aggregate classification (germline): Uncertain significance (1 of 4 stars; one submission).

Conditions:
Cataract 21 multiple types. Also called: CATARACT 21, MULTIPLE TYPES, WITH OR WITHOUT MICROCORNEA; CATARACT 21, CERULEAN, WITH OR WITHOUT MICROCORNEA; CATARACT 21, MULTIPLE TYPES, WITH MICROCORNEA; Cataract, congenital, cerulean type, 4. Identifiers: Orphanet 91492, MedGen C1857768, MONDO:0012437, OMIM 610202.
Ayme-Gripp syndrome. Also called: Aymé-Gripp Syndrome. Identifiers: MedGen C1832812, MONDO:0010992, OMIM 601088.

Submission:

Labcorp Genetics (formerly Invitae), Labcorp
Classification: Uncertain significance for Cataract 21 multiple types; Ayme-Gripp syndrome. Last evaluated: 2022-09-01. Review status: criteria provided, single submitter. Criteria: Invitae Variant Classification Sherloc (09022015). Collection method: clinical testing. Allele origin: germline.
Comment: In summary, the available evidence is currently insufficient to determine the role of this variant in disease. Therefore, it has been classified as a Variant of Uncertain Significance. Algorithms developed to predict the effect of missense changes on protein structure and function are either unavailable or do not agree on the potential impact of this missense change (SIFT: "Tolerated"; PolyPhen-2: "Not Available"; Align-GVGD: "Class C0"). This variant has not been reported in the literature in individuals affected with MAF-related conditions. The frequency data for this variant in the population databases is considered unreliable, as metrics indicate insufficient coverage at this position in the gnomAD database. This sequence change replaces glycine, which is neutral and non-polar, with serine, which is neutral and polar, at codon 219 of the MAF protein (p.Gly219Ser).

NM_005360.5(MAF):c.655G>A (p.Gly219Ser)

Gene: MAF (MAF bZIP transcription factor; minus strand). Cytogenetic location: 16q23.2.
Variant type: single nucleotide variant.
Coding change: c.655G>A on transcript NM_005360.5 (MANE Select); coding-DNA position 655, G replaced by A.
Protein change: p.Gly219Ser; replaces glycine 219 with serine.
Molecular consequence: missense variant.
Genome position (GRCh38, 1-based): chr16:79,599,248, C>T on the plus strand (G>A on the coding strand, the complement: MAF is on the minus strand). VCF-style: chr16-79599248-C-T. GRCh37 (hg19) VCF-style: chr16-79633145-C-T.
Other names: c.655G>A, p.Gly219Ser (NM_001031804.3); short protein forms G219S.
Identifiers: ClinVar variation 2063482 (VCV002063482.4), dbSNP rs1030258012, ClinGen allele CA284128384.